The following is an entry in ClinVar:

ClinVar aggregate classification (germline): Likely benign. Review status: criteria provided, multiple submitters, no conflicts (2 of 4 stars). 2 submissions from 2 submitters: Likely benign (2). Last evaluated 2025-01-08.

Conditions:
Hereditary nonpolyposis colorectal neoplasms. Identifiers: MedGen C0009405, MeSH D003123.
Lynch syndrome 5 (LYNCH5). Also called: Hereditary non-polyposis colorectal cancer, type 5; Colorectal cancer, hereditary nonpolyposis, type 5. Identifiers: Orphanet 144, MedGen C1833477, MONDO:0013710, OMIM 614350. Disease mechanism: loss of function.

Submissions (2):

Myriad Genetics, Inc.
Classification: Likely benign for Lynch syndrome 5. Last evaluated: 2025-01-08. Review status: criteria provided, single submitter. Criteria: Myriad Autosomal Dominant, Autosomal Recessive and X-Linked Classification Criteria (2023). Collection method: clinical testing. Allele origin: unknown.
Comment: This variant is considered likely benign. This variant is intronic and is not expected to impact mRNA splicing.

Labcorp Genetics (formerly Invitae), Labcorp
Classification: Likely benign for Hereditary nonpolyposis colorectal neoplasms. Last evaluated: 2024-09-28. Review status: criteria provided, single submitter. Criteria: Invitae Variant Classification Sherloc (09022015). Collection method: clinical testing. Allele origin: germline.

NM_000179.3(MSH6):c.3801+9A>C

Gene: MSH6 (mutS homolog 6; plus strand). Cytogenetic location: 2p16.3.
Variant type: single nucleotide variant.
Coding change: c.3801+9A>C on transcript NM_000179.3 (MANE Select); 9 bases into the intron after coding-DNA position 3801, A replaced by C.
Molecular consequence: intron variant.
Genome position (GRCh38, 1-based): chr2:47,806,367, A>C. VCF-style: chr2-47806367-A-C. GRCh37 (hg19) VCF-style: chr2-48033506-A-C.
Other names: c.2895+9A>C (NM_001281493.2, NM_001281494.2); c.3411+9A>C (NM_001281492.2).
Identifiers: ClinVar variation 2033920 (VCV002033920.5), dbSNP rs2104547458, ClinGen allele CA2580067360.